The following is an entry in ClinVar:

ClinVar aggregate classification (germline): Uncertain significance (1 of 4 stars; one submission).

Submission:

Labcorp Genetics (formerly Invitae), Labcorp
Classification: Uncertain significance. Last evaluated: 2024-10-26. Review status: criteria provided, single submitter. Criteria: Invitae Variant Classification Sherloc (09022015). Collection method: clinical testing. Allele origin: germline.
Comment: This sequence change replaces asparagine, which is neutral and polar, with threonine, which is neutral and polar, at codon 659 of the ADAM9 protein (p.Asn659Thr). This variant is not present in population databases (gnomAD no frequency). This variant has not been reported in the literature in individuals affected with ADAM9-related conditions. ClinVar contains an entry for this variant (Variation ID: 2115327). Invitae Evidence Modeling of protein sequence and biophysical properties (such as structural, functional, and spatial information, amino acid conservation, physicochemical variation, residue mobility, and thermodynamic stability) has been performed for this missense variant. However, the output from this modeling did not meet the statistical confidence thresholds required to predict the impact of this variant on ADAM9 protein function. In summary, the available evidence is currently insufficient to determine the role of this variant in disease. Therefore, it has been classified as a Variant of Uncertain Significance.

NM_003816.3(ADAM9):c.1976A>C (p.Asn659Thr)

Gene: ADAM9 (ADAM metallopeptidase domain 9; plus strand). Cytogenetic location: 8p11.22.
Variant type: single nucleotide variant.
Coding change: c.1976A>C on transcript NM_003816.3 (MANE Select); coding-DNA position 1976, A replaced by C.
Protein change: p.Asn659Thr; replaces asparagine 659 with threonine.
Molecular consequence: missense variant. On other transcripts: non-coding transcript variant (1).
Genome position (GRCh38, 1-based): chr8:39,082,981, A>C. VCF-style: chr8-39082981-A-C. GRCh37 (hg19) VCF-style: chr8-38940500-A-C.
Other names: short protein forms N659T.
Identifiers: ClinVar variation 2115327 (VCV002115327.4), dbSNP rs2536378731, ClinGen allele CA370747711.